The following is an entry in ClinVar:

NM_014365.3(HSPB8):c.127G>A (p.Asp43Asn)

Gene: HSPB8 (heat shock protein family B (small) member 8; plus strand). Cytogenetic location: 12q24.23.
Variant type: single nucleotide variant.
Coding change: c.127G>A on transcript NM_014365.3 (MANE Select); coding-DNA position 127, G replaced by A.
Protein change: p.Asp43Asn; replaces aspartic acid 43 with asparagine.
Molecular consequence: missense variant.
Genome position (GRCh38, 1-based): chr12:119,179,439, G>A. VCF-style: chr12-119179439-G-A. GRCh37 (hg19) VCF-style: chr12-119617244-G-A.
Other names: short protein forms D43N.
Identifiers: ClinVar variation 847769 (VCV000847769.9), dbSNP rs1954622196, ClinGen allele CA386524382.

ClinVar aggregate classification (germline): Uncertain significance (1 of 4 stars; one submission).

Conditions:
Charcot-Marie-Tooth disease axonal type 2L. Also called: Charcot-Marie-Tooth Neuropathy Type 2L; CHARCOT-MARIE-TOOTH DISEASE, AXONAL, AUTOSOMAL DOMINANT, TYPE 2L; CHARCOT-MARIE-TOOTH NEUROPATHY, AXONAL, TYPE 2L. Identifiers: Orphanet 99945, MedGen C1837552, MONDO:0012096, OMIM 608673.

Submission:

Labcorp Genetics (formerly Invitae), Labcorp
Classification: Uncertain significance for Charcot-Marie-Tooth disease axonal type 2L. Last evaluated: 2019-11-26. Review status: criteria provided, single submitter. Criteria: Invitae Variant Classification Sherloc (09022015). Collection method: clinical testing. Allele origin: germline.
Comment: This sequence change replaces aspartic acid with asparagine at codon 43 of the HSPB8 protein (p.Asp43Asn). The aspartic acid residue is highly conserved and there is a small physicochemical difference between aspartic acid and asparagine. This variant is not present in population databases (ExAC no frequency). In summary, the available evidence is currently insufficient to determine the role of this variant in disease. Therefore, it has been classified as a Variant of Uncertain Significance. This variant has not been reported in the literature in individuals with HSPB8-related conditions. Algorithms developed to predict the effect of missense changes on protein structure and function output the following: SIFT: "Deleterious"; PolyPhen-2: "Benign"; Align-GVGD: "Class C0". The asparagine amino acid residue is found in multiple mammalian species, suggesting that this missense change does not adversely affect protein function. These predictions have not been confirmed by published functional studies and their clinical significance is uncertain.